The following is an entry in ClinVar:

ClinVar aggregate classification (germline): Uncertain significance (1 of 4 stars; one submission).

Conditions:
Aortic aneurysm, familial thoracic 4 (AAT4). Also called: AORTIC ANEURYSM/AORTIC DISSECTION AND PATENT DUCTUS ARTERIOSUS. Identifiers: MedGen C1851504, MONDO:0007568, OMIM 132900.

Submission:

Labcorp Genetics (formerly Invitae), Labcorp
Classification: Uncertain significance for Aortic aneurysm, familial thoracic 4. Last evaluated: 2025-08-31. Review status: criteria provided, single submitter. Criteria: Invitae Variant Classification Sherloc (09022015). Collection method: clinical testing. Allele origin: germline.
Comment: This sequence change replaces lysine, which is basic and polar, with asparagine, which is neutral and polar, at codon 870 of the MYH11 protein (p.Lys870Asn). This variant is not present in population databases (gnomAD no frequency). This variant has not been reported in the literature in individuals affected with MYH11-related conditions. Invitae Evidence Modeling of protein sequence and biophysical properties (such as structural, functional, and spatial information, amino acid conservation, physicochemical variation, residue mobility, and thermodynamic stability) indicates that this missense variant is not expected to disrupt MYH11 protein function with a negative predictive value of 95%. In summary, the available evidence is currently insufficient to determine the role of this variant in disease. Therefore, it has been classified as a Variant of Uncertain Significance.

NM_002474.3(MYH11):c.2589G>T (p.Lys863Asn)

Gene: MYH11 (myosin heavy chain 11; minus strand). Cytogenetic location: 16p13.11.
Variant type: single nucleotide variant.
Coding change: c.2589G>T on transcript NM_002474.3 (MANE Select); coding-DNA position 2589, G replaced by T.
Protein change: p.Lys863Asn; replaces lysine 863 with asparagine.
Molecular consequence: missense variant.
Genome position (GRCh38, 1-based): chr16:15,741,823, C>A on the plus strand (G>T on the coding strand, the complement: MYH11 is on the minus strand). VCF-style: chr16-15741823-C-A. GRCh37 (hg19) VCF-style: chr16-15835680-C-A.
Other names: c.2610G>T, p.Lys870Asn (NM_001040113.2, NM_001040114.2); c.2589G>T, p.Lys863Asn (NM_022844.3); short protein forms K870N, K863N.
Identifiers: ClinVar variation 4745882 (VCV004745882.1).